The following is an entry in ClinVar:

NM_001849.4(COL6A2):c.1319C>T (p.Pro440Leu)

Gene: COL6A2 (collagen type VI alpha 2 chain; plus strand). Cytogenetic location: 21q22.3.
Variant type: single nucleotide variant.
Coding change: c.1319C>T on transcript NM_001849.4 (MANE Select); coding-DNA position 1319, C replaced by T.
Protein change: p.Pro440Leu; replaces proline 440 with leucine.
Molecular consequence: missense variant.
Genome position (GRCh38, 1-based): chr21:46,119,837, C>T. VCF-style: chr21-46119837-C-T. GRCh37 (hg19) VCF-style: chr21-47539751-C-T.
Other names: c.1319C>T, p.Pro440Leu (NM_058174.3, NM_058175.3); short protein forms P440L.
Identifiers: ClinVar variation 2044970 (VCV002044970.4), dbSNP rs1183866054, ClinGen allele CA410530468.
Genomic context (GRCh38, chr21:46,119,837, plus strand): 5'-GTTCTCTGCAGGGGCGCAGGGGAGACCCCGGCACCAAGGGCAGCCCAGGCAGCGATGGCC[C>T]CAAGGGGGAGAAGGTGAGTCCTCGTGTGGAGGCAGCCCAGGGTCTCACTGTGGTGCCCAT-3'
Protein context (NP_001840.3, residues 430-450): GTKGSPGSDG[Pro440Leu]KGEKGDPGPE

ClinVar aggregate classification (germline): Uncertain significance (1 of 4 stars; one submission).

Conditions:
Bethlem myopathy 1A. Also called: MYOPATHY, BENIGN CONGENITAL, WITH CONTRACTURES; Bethlem Muscular Dystrophy; Bethlem myopathy 1. Identifiers: Orphanet 610, MedGen CN029274, MONDO:0024530, OMIM 158810.

gnomAD v4.1: 1 of 1,560,492 alleles (0.000064%); no homozygotes.

Submission:

Labcorp Genetics (formerly Invitae), Labcorp
Classification: Uncertain significance for Bethlem myopathy 1A. Last evaluated: 2022-08-07. Review status: criteria provided, single submitter. Criteria: Invitae Variant Classification Sherloc (09022015). Collection method: clinical testing. Allele origin: germline.
Comment: In summary, the available evidence is currently insufficient to determine the role of this variant in disease. Therefore, it has been classified as a Variant of Uncertain Significance. Advanced modeling of protein sequence and biophysical properties (such as structural, functional, and spatial information, amino acid conservation, physicochemical variation, residue mobility, and thermodynamic stability) performed at Invitae indicates that this missense variant is not expected to disrupt COL6A2 protein function. This variant has not been reported in the literature in individuals affected with COL6A2-related conditions. This variant is not present in population databases (gnomAD no frequency). This sequence change replaces proline, which is neutral and non-polar, with leucine, which is neutral and non-polar, at codon 440 of the COL6A2 protein (p.Pro440Leu).